The following is an entry in ClinVar:

NM_005245.4(FAT1):c.7225G>A (p.Val2409Met)

Gene: FAT1 (FAT atypical cadherin 1; minus strand). Cytogenetic location: 4q35.2.
Variant type: single nucleotide variant.
Coding change: c.7225G>A on transcript NM_005245.4 (MANE Select); coding-DNA position 7225, G replaced by A.
Protein change: p.Val2409Met; replaces valine 2409 with methionine.
Molecular consequence: missense variant.
Genome position (GRCh38, 1-based): chr4:186,619,361, C>T on the plus strand (G>A on the coding strand, the complement: FAT1 is on the minus strand). VCF-style: chr4-186619361-C-T. GRCh37 (hg19) VCF-style: chr4-187540515-C-T.
Other names: short protein forms V2409M.
Identifiers: ClinVar variation 1050766 (VCV001050766.1), dbSNP rs769335147, ClinGen allele CA3166088.

ClinVar aggregate classification (germline): Uncertain significance (0 of 4 stars; one submission).

gnomAD v4.1: 110 of 1,613,864 alleles (0.0068%); highest among the groups gnomAD compares: Admixed American, 0.0033%; no homozygotes.

Submission:

Department of Pathology and Laboratory Medicine, Sinai Health System
Classification: Uncertain significance. Review status: no assertion criteria provided. Collection method: clinical testing. Allele origin: unknown. Affected: yes. Study: The Canadian Open Genetics Repository (COGR).
Comment: The FAT1 p.Val2409Met variant was not identified in the literature nor was it identified in ClinVar and LOVD 3.0. The variant was identified in dbSNP (ID: rs769335147) and in Cosmic, where it was confirmed somatically in tissues from the upper aerodigestive tract (squamous cell carcinoma) with a FATHMM prediction score of 0.88 (pathogenic). The variant was identified in control databases in 36 of 280480 chromosomes at a frequency of 0.000128 (Genome Aggregation Database Feb 27, 2017). The variant was observed in the following populations: Ashkenazi Jewish in 27 of 10348 chromosomes (freq: 0.002609), Other in 3 of 7134 chromosomes (freq: 0.000421) and European (non-Finnish) in 6 of 128314 chromosomes (freq: 0.000047); it was not observed in the African, Latino, East Asian, European (Finnish), and South Asian populations. The variant occurs outside of the splicing consensus sequence and in silico or computational prediction software programs (SpliceSiteFinder, MaxEntScan, NNSPLICE, and GeneSplicer) do not predict a difference in splicing. The p.Val2409 residue is conserved in mammals and computational analyses (PolyPhen-2, SIFT, AlignGVGD, BLOSUM, and MutationTaster) provide inconsistent predictions regarding the impact to the protein; this information is not very predictive of pathogenicity. In summary, based on the above information the clinical significance of this variant cannot be determined with certainty at this time. This variant is classified as a variant of uncertain significance.